The following is an entry in ClinVar:

NM_012079.6(DGAT1):c.134del (p.Asp45fs)

Genes: DGAT1 (diacylglycerol O-acyltransferase 1; minus strand), LOC130001385 (ATAC-STARR-seq lymphoblastoid silent region 19672; plus strand). Cytogenetic location: 8q24.3.
Variant type: Deletion.
Coding change: c.134del on transcript NM_012079.6 (MANE Select); coding-DNA position 134, one base deleted (A; older notation c.134delA).
Protein change: p.Asp45fs; shifts the reading frame from aspartic acid 45.
Molecular consequence: frameshift variant.
Genome position (GRCh38, 1-based): chr8:144,326,503, T deleted on the plus strand (A on the coding strand, the reverse complement: DGAT1 is on the minus strand). VCF-style (leftmost placement, unchanged base first): chr8-144326502-GT-G. GRCh37 (hg19) VCF-style: chr8-145550165-GT-G.
Other names: short protein forms D45fs.
Identifiers: ClinVar variation 2814788 (VCV002814788.3), dbSNP rs2488972740, ClinGen allele CA2739269031.

ClinVar aggregate classification (germline): Pathogenic (1 of 4 stars; one submission).

Submission:

Labcorp Genetics (formerly Invitae), Labcorp
Classification: Pathogenic. Last evaluated: 2022-11-16. Review status: criteria provided, single submitter. Criteria: Invitae Variant Classification Sherloc (09022015). Collection method: clinical testing. Allele origin: germline.
Comment: This sequence change creates a premature translational stop signal (p.Asp45Alafs*22) in the DGAT1 gene. It is expected to result in an absent or disrupted protein product. Loss-of-function variants in DGAT1 are known to be pathogenic (PMID: 29604290). This variant is not present in population databases (gnomAD no frequency). This variant has not been reported in the literature in individuals affected with DGAT1-related conditions. For these reasons, this variant has been classified as Pathogenic.

Literature cited by the submitters: PubMed 29604290.